The following is an entry in ClinVar:

ClinVar aggregate classification (germline): Likely benign (1 of 4 stars; one submission).

Allele frequency attached by ClinVar (database versions not stated): TOPMed 0.00003; gnomAD 0.00005; gnomAD exomes 0.00006; ExAC 0.00007; ESP Exome Variant Server 0.00015.
gnomAD v4.1: 102 of 1,614,130 alleles (0.0063%); highest among the groups gnomAD compares: Middle Eastern, 0.049%; no homozygotes.

Submission:

CeGaT Center for Human Genetics Tuebingen
Classification: Likely benign. Last evaluated: 2024-06-01. Review status: criteria provided, single submitter. Criteria: CeGaT Center For Human Genetics Tuebingen Variant Classification Criteria Version 2. Collection method: clinical testing. Allele origin: germline. Affected: yes. Observed: 1 variant allele.
Comment: CCR3: BP4, BP7

NM_178329.3(CCR3):c.237G>A (p.Ser79=)

Gene: CCR3 (C-C motif chemokine receptor 3; plus strand). Cytogenetic location: 3p21.31.
Variant type: single nucleotide variant.
Coding change: c.237G>A on transcript NM_178329.3 (MANE Select); coding-DNA position 237, G replaced by A.
Protein change: p.Ser79=; no amino-acid change (serine 79 retained).
Molecular consequence: synonymous variant.
Genome position (GRCh38, 1-based): chr3:46,265,395, G>A. VCF-style: chr3-46265395-G-A. GRCh37 (hg19) VCF-style: chr3-46306886-G-A.
Other names: c.291G>A, p.Ser97= (NM_001164680.2); c.237G>A, p.Ser79= (NM_001837.4); c.300G>A, p.Ser100= (NM_178328.1).
Identifiers: ClinVar variation 3250640 (VCV003250640.18), dbSNP rs201017868.